The following is an entry in ClinVar:

NM_020070.4(IGLL1):c.5G>C (p.Arg2Thr)

Gene: IGLL1 (immunoglobulin lambda like polypeptide 1; minus strand). Cytogenetic location: 22q11.23.
Variant type: single nucleotide variant.
Coding change: c.5G>C on transcript NM_020070.4 (MANE Select); coding-DNA position 5, G replaced by C.
Protein change: p.Arg2Thr; replaces arginine 2 with threonine.
Molecular consequence: missense variant.
Genome position (GRCh38, 1-based): chr22:23,580,186, C>G on the plus strand (G>C on the coding strand, the complement: IGLL1 is on the minus strand). VCF-style: chr22-23580186-C-G. GRCh37 (hg19) VCF-style: chr22-23922373-C-G.
Other names: c.5G>C, p.Arg2Thr (NM_001369906.1, NM_152855.3); short protein forms R2T.
Identifiers: ClinVar variation 3663617 (VCV003663617.2).

ClinVar aggregate classification (germline): Uncertain significance (1 of 4 stars; one submission).

Conditions:
Agammaglobulinemia 2, autosomal recessive (AGM2). Also called: AGAMMAGLOBULINEMIA, AUTOSOMAL RECESSIVE, DUE TO IGLL1 DEFECT. Identifiers: MedGen C3150750, MONDO:0013287, OMIM 613500.

Submission:

Labcorp Genetics (formerly Invitae), Labcorp
Classification: Uncertain significance for Agammaglobulinemia 2, autosomal recessive. Last evaluated: 2024-08-28. Review status: criteria provided, single submitter. Criteria: Invitae Variant Classification Sherloc (09022015). Collection method: clinical testing. Allele origin: germline.
Comment: This sequence change replaces arginine, which is basic and polar, with threonine, which is neutral and polar, at codon 2 of the IGLL1 protein (p.Arg2Thr). This variant is not present in population databases (gnomAD no frequency). This variant has not been reported in the literature in individuals affected with IGLL1-related conditions. An algorithm developed to predict the effect of missense changes on protein structure and function (PolyPhen-2) suggests that this variant is likely to be tolerated. In summary, the available evidence is currently insufficient to determine the role of this variant in disease. Therefore, it has been classified as a Variant of Uncertain Significance.